The following is an entry in ClinVar:

NM_001374353.1(GLI2):c.294C>G (p.Ile98Met)

Gene: GLI2 (GLI family zinc finger 2; plus strand). Cytogenetic location: 2q14.2.
Variant type: single nucleotide variant.
Coding change: c.294C>G on transcript NM_001374353.1 (MANE Select); coding-DNA position 294, C replaced by G.
Protein change: p.Ile98Met; replaces isoleucine 98 with methionine.
Molecular consequence: missense variant. On other transcripts: 5 prime UTR variant (1).
Genome position (GRCh38, 1-based): chr2:120,951,282, C>G. VCF-style: chr2-120951282-C-G. GRCh37 (hg19) VCF-style: chr2-121708858-C-G.
Other names: c.294C>G, p.Ile98Met (NM_001371271.1, NM_005270.5); c.-82C>G (NM_001374354.1); short protein forms I98M.
Identifiers: ClinVar variation 2937560 (VCV002937560.3), dbSNP rs2467613243, ClinGen allele CA348161793.

ClinVar aggregate classification (germline): Uncertain significance (1 of 4 stars; one submission).

Conditions:
Holoprosencephaly 9 (HPE9). Also called: PITUITARY ANOMALIES WITH HOLOPROSENCEPHALY-LIKE FEATURES; HOLOPROSENCEPHALY WITH MICROPHTHALMIA AND FIRST BRANCHIAL ARCH ANOMALIES. Identifiers: Orphanet 2162, MedGen C1835819, MONDO:0012563, OMIM 610829.
Postaxial polydactyly-anterior pituitary anomalies-facial dysmorphism syndrome. Also called: Culler-Jones syndrome. Identifiers: Orphanet 420584, MedGen C4014479, MONDO:0014369, OMIM 615849.

Submission:

Labcorp Genetics (formerly Invitae), Labcorp
Classification: Uncertain significance for Postaxial polydactyly-anterior pituitary anomalies-facial dysmorphism syndrome; Holoprosencephaly 9. Last evaluated: 2024-08-23. Review status: criteria provided, single submitter. Criteria: Invitae Variant Classification Sherloc (09022015). Collection method: clinical testing. Allele origin: germline.
Comment: This sequence change replaces isoleucine, which is neutral and non-polar, with methionine, which is neutral and non-polar, at codon 98 of the GLI2 protein (p.Ile98Met). This variant is not present in population databases (gnomAD no frequency). This variant has not been reported in the literature in individuals affected with GLI2-related conditions. An algorithm developed to predict the effect of missense changes on protein structure and function (PolyPhen-2) suggests that this variant is likely to be disruptive. In summary, the available evidence is currently insufficient to determine the role of this variant in disease. Therefore, it has been classified as a Variant of Uncertain Significance.